The following is an entry in ClinVar:

NM_014000.3(VCL):c.1433A>C (p.Asn478Thr)

Gene: VCL (vinculin; plus strand). Cytogenetic location: 10q22.2.
Variant type: single nucleotide variant.
Coding change: c.1433A>C on transcript NM_014000.3 (MANE Select); coding-DNA position 1433, A replaced by C.
Protein change: p.Asn478Thr; replaces asparagine 478 with threonine.
Molecular consequence: missense variant.
Genome position (GRCh38, 1-based): chr10:74,094,351, A>C. VCF-style: chr10-74094351-A-C. GRCh37 (hg19) VCF-style: chr10-75854109-A-C.
Other names: c.1433A>C, p.Asn478Thr (NM_003373.4); short protein forms N478T.
Identifiers: ClinVar variation 1945100 (VCV001945100.5), dbSNP rs763235691, ClinGen allele CA377273801.

ClinVar aggregate classification (germline): Uncertain significance (1 of 4 stars; one submission).

Conditions:
Dilated cardiomyopathy 1W (CMD1W). Identifiers: Orphanet 154, MedGen C1969639, MONDO:0012667, OMIM 611407.

Submission:

Labcorp Genetics (formerly Invitae), Labcorp
Classification: Uncertain significance for Dilated cardiomyopathy 1W. Last evaluated: 2022-06-18. Review status: criteria provided, single submitter. Criteria: Invitae Variant Classification Sherloc (09022015). Collection method: clinical testing. Allele origin: germline.
Comment: In summary, the available evidence is currently insufficient to determine the role of this variant in disease. Therefore, it has been classified as a Variant of Uncertain Significance. Algorithms developed to predict the effect of missense changes on protein structure and function are either unavailable or do not agree on the potential impact of this missense change (SIFT: "Not Available"; PolyPhen-2: "Possibly Damaging"; Align-GVGD: "Not Available"). This variant has not been reported in the literature in individuals affected with VCL-related conditions. This variant is not present in population databases (gnomAD no frequency). This sequence change replaces asparagine, which is neutral and polar, with threonine, which is neutral and polar, at codon 478 of the VCL protein (p.Asn478Thr).